The following is an entry in ClinVar:

NM_003060.4(SLC22A5):c.800G>A (p.Gly267Glu)

Gene: SLC22A5 (solute carrier family 22 member 5; plus strand). Cytogenetic location: 5q31.1.
Variant type: single nucleotide variant.
Coding change: c.800G>A on transcript NM_003060.4 (MANE Select); coding-DNA position 800, G replaced by A.
Protein change: p.Gly267Glu; replaces glycine 267 with glutamic acid.
Molecular consequence: missense variant.
Genome position (GRCh38, 1-based): chr5:132,385,475, G>A. VCF-style: chr5-132385475-G-A. GRCh37 (hg19) VCF-style: chr5-131721167-G-A.
Other names: p.Gly267Glu; c.872G>A, p.Gly291Glu (NM_001308122.2); short protein forms G267E, G291E.
Identifiers: ClinVar variation 555629 (VCV000555629.10), dbSNP rs775430253, ClinGen allele CA3403975.

ClinVar aggregate classification (germline): Uncertain significance. Review status: criteria provided, multiple submitters, no conflicts (2 of 4 stars). 4 submissions from 4 submitters: Uncertain significance (3). 1 of the submissions does not count toward it. Last evaluated 2022-10-03.

Conditions:
Renal carnitine transport defect (CDSP). Also called: Systemic primary carnitine deficiency; Carnitine transporter deficiency; Carnitine Deficiency, Systemic; CARNITINE DEFICIENCY, SYSTEMIC, DUE TO DEFECT IN RENAL REABSORPTION OF CARNITINE; CARNITINE TRANSPORTER, PLASMA-MEMBRANE, DEFICIENCY OF; CARNITINE UPTAKE DEFECT. Identifiers: Orphanet 158, MedGen C0342788, MONDO:0008919, OMIM 212140.

Allele frequency attached by ClinVar (database versions not stated): TOPMed 0.00004.
gnomAD v4.1: 23 of 1,614,010 alleles (0.0014%); highest among the groups gnomAD compares: African/African-American, 0.016%; no homozygotes.

Submissions (4):

Giacomini Lab, University of California, San Francisco
Classification: Uncertain significance for Renal carnitine transport defect. Last evaluated: 2022-10-03. Review status: criteria provided, single submitter. Criteria: ACMG Guidelines, 2015. Collection method: research, in vitro. Allele origin: germline, not applicable.

Fulgent Genetics
Classification: Uncertain significance for Renal carnitine transport defect. Last evaluated: 2022-02-01. Review status: criteria provided, single submitter. Criteria: ACMG Guidelines, 2015. Collection method: clinical testing. Allele origin: unknown.

Labcorp Genetics (formerly Invitae), Labcorp
Classification: Uncertain significance for Renal carnitine transport defect. Last evaluated: 2021-08-24. Review status: criteria provided, single submitter. Criteria: Invitae Variant Classification Sherloc (09022015). Collection method: clinical testing. Allele origin: germline.
Comment: This sequence change replaces glycine with glutamic acid at codon 267 of the SLC22A5 protein (p.Gly267Glu). The glycine residue is highly conserved and there is a moderate physicochemical difference between glycine and glutamic acid. This variant is present in population databases (rs775430253, ExAC 0.04%). This variant has not been reported in the literature in individuals affected with SLC22A5-related conditions. ClinVar contains an entry for this variant (Variation ID: 555629). Algorithms developed to predict the effect of missense changes on protein structure and function are either unavailable or do not agree on the potential impact of this missense change (SIFT: "Deleterious"; PolyPhen-2: "Probably Damaging"; Align-GVGD: "Class C15"). In summary, the available evidence is currently insufficient to determine the role of this variant in disease. Therefore, it has been classified as a Variant of Uncertain Significance.

Counsyl
Classification: Uncertain significance for Renal carnitine transport defect. Last evaluated: 2017-12-14. Review status: no assertion criteria provided. Collection method: clinical testing. Allele origin: unknown. Not counted in ClinVar's aggregate classification.